The following is an entry in ClinVar:

Conditions:
Breast-ovarian cancer, familial, susceptibility to, 1 (BROVCA1). Also called: BRCA1 Hereditary Breast and Ovarian Cancer; OVARIAN CANCER, SUSCEPTIBILITY TO. Identifiers: Orphanet 145, MedGen C2676676, MONDO:0011450, OMIM 604370. Disease mechanism: loss of function.

Submission:

Brotman Baty Institute, University of Washington
No classification provided (evidence only). Condition: Breast-ovarian cancer, familial 1. Review status: no classification provided. Collection method: in vitro. Allele origin: not applicable. Functional consequence: functionally_normal.
ClinVar note: "not provided" was previously submitted as the classification for the variant. However, the classification appeared to be based only on an observation of functional data so it was converted to no classification on 2025-07-30.

NM_007294.4(BRCA1):c.33A>C (p.Val11=)

Gene: BRCA1 (BRCA1 DNA repair associated; minus strand). Cytogenetic location: 17q21.31.
Variant type: single nucleotide variant.
Coding change: c.33A>C on transcript NM_007294.4 (MANE Select); coding-DNA position 33, A replaced by C.
Protein change: p.Val11=; no amino-acid change (valine 11 retained).
Molecular consequence: synonymous variant. On other transcripts: 5 prime UTR variant (136), intron variant (36).
Genome position (GRCh38, 1-based): chr17:43,124,064, T>G on the plus strand (A>C on the coding strand, the complement: BRCA1 is on the minus strand). VCF-style: chr17-43124064-T-G. GRCh37 (hg19) VCF-style: chr17-41276081-T-G.
Other names: c.-156A>C (NM_001407571.1, NM_001407853.1, NM_001407879.1 and 46 more transcripts); c.33A>C, p.Val11= (NM_001407581.1, NM_001407582.1, NM_001407583.1 and 193 more transcripts); c.-225A>C (NM_001407694.1, NM_001407724.1, NM_001407727.1 and 11 more transcripts); c.-229A>C (NM_001407695.1, NM_001408465.1); c.-370A>C (NM_001407696.1); c.-254A>C (NM_001407697.1, NM_001407846.1, NM_001407920.1); c.-55A>C (NM_001407698.1, NM_001407732.1, NM_001407736.1 and 23 more transcripts); c.-228A>C (NM_001407725.1, NM_001407730.1, NM_001407734.1 and 22 more transcripts); and 23 more.
Identifiers: ClinVar variation 867700 (VCV000867700.3), dbSNP rs1555601010, ClinGen allele CA500131475.